The following is an entry in ClinVar:

ClinVar aggregate classification (germline): Conflicting classifications of pathogenicity. Review status: criteria provided, conflicting classifications (1 of 4 stars). 9 submissions from 9 submitters: Uncertain significance (7); Likely benign (1). 1 of the submissions does not count toward it. Last evaluated 2025-12-29.

Conditions:
Familial cancer of breast. Also called: Hereditary breast cancer; BREAST CANCER, FAMILIAL; hereditary breast carcinoma. Identifiers: Orphanet 227535, MedGen C0346153, MONDO:0016419, OMIM 114480. Disease mechanism: loss of function.
Ataxia-telangiectasia syndrome (AT). Also called: LOUIS-BAR SYNDROME; Cerebello-oculocutaneous telangiectasia; Immunodeficiency with ataxia telangiectasia; Ataxia-telangiectasia, complementation group D; AT, COMPLEMENTATION GROUP C; Ataxia-telangiectasia, complementation group E. Identifiers: Orphanet 100, MedGen C0004135, MONDO:0008840, OMIM 208900.
Hereditary cancer-predisposing syndrome. Also called: Neoplastic Syndromes, Hereditary; Hereditary Cancer Syndrome; Tumor predisposition; Hereditary neoplastic syndrome. Identifiers: Orphanet 140162, MedGen C0027672, MeSH D009386, MONDO:0015356.

gnomAD v4.1: 3 of 1,613,350 alleles (0.00019%); no homozygotes.

Submissions (9):

Center for Genomic Medicine, Rigshospitalet, Copenhagen University Hospital
Classification: Uncertain significance. Last evaluated: 2025-12-29. Review status: criteria provided, single submitter. Criteria: ACMG Guidelines, 2015. Collection method: clinical testing. Allele origin: germline.
Comment: Classification criteria: BP4

Labcorp Genetics (formerly Invitae), Labcorp
Classification: Uncertain significance for Ataxia-telangiectasia syndrome. Last evaluated: 2024-10-08. Review status: criteria provided, single submitter. Criteria: Invitae Variant Classification Sherloc (09022015). Collection method: clinical testing. Allele origin: germline.
Comment: This sequence change replaces isoleucine, which is neutral and non-polar, with methionine, which is neutral and non-polar, at codon 2606 of the ATM protein (p.Ile2606Met). This variant is not present in population databases (gnomAD no frequency). This missense change has been observed in individual(s) with colorectal cancer (PMID: 28135145). ClinVar contains an entry for this variant (Variation ID: 407490). Invitae Evidence Modeling of protein sequence and biophysical properties (such as structural, functional, and spatial information, amino acid conservation, physicochemical variation, residue mobility, and thermodynamic stability) indicates that this missense variant is not expected to disrupt ATM protein function with a negative predictive value of 95%. In summary, the available evidence is currently insufficient to determine the role of this variant in disease. Therefore, it has been classified as a Variant of Uncertain Significance.

Blueprint Genetics
Classification: Uncertain significance. Last evaluated: 2024-09-11. Review status: criteria provided, single submitter. Criteria: ACMG Guidelines, 2015. Collection method: clinical testing. Allele origin: germline.

Fulgent Genetics
Classification: Uncertain significance for Familial cancer of breast; Ataxia-telangiectasia syndrome. Last evaluated: 2024-04-16. Review status: criteria provided, single submitter. Criteria: ACMG Guidelines, 2015. Collection method: clinical testing. Allele origin: germline.

Mendelics
Classification: Likely benign for Hereditary cancer-predisposing syndrome. Last evaluated: 2024-04-08. Review status: criteria provided, single submitter. Criteria: ACMG Guidelines, 2015. Collection method: clinical testing. Allele origin: unknown.

Ambry Genetics
Classification: Uncertain significance for Hereditary cancer-predisposing syndrome. Last evaluated: 2024-01-17. Review status: criteria provided, single submitter. Criteria: Ambry Variant Classification Scheme 2023. Collection method: clinical testing. Allele origin: germline.
Comment: The p.I2606M variant (also known as c.7818A>G), located in coding exon 52 of the ATM gene, results from an A to G substitution at nucleotide position 7818. The isoleucine at codon 2606 is replaced by methionine, an amino acid with highly similar properties. This variant was detected in 1/333 Polish patients with ovarian cancer (Koczkowska M et al. Cancers (Basel), 2018 Nov;10:). This variant was also detected in 1/5589 German BRCA1/2-negative probands with breast cancer (Hauke J et al. Cancer Med, 2018 Apr;7:1349-1358). This amino acid position is well conserved in available vertebrate species. In addition, this alteration is predicted to be tolerated by in silico analysis. Based on the available evidence, the clinical significance of this alteration remains unclear.

Color Diagnostics, LLC DBA Color Health
Classification: Uncertain significance for Hereditary cancer-predisposing syndrome. Last evaluated: 2022-08-01. Review status: criteria provided, single submitter. Criteria: ACMG Guidelines, 2015. Collection method: clinical testing. Allele origin: germline.
Comment: This missense variant replaces isoleucine with methionine at codon 2606 of the ATM protein. Computational prediction suggests that this variant may not impact protein structure and function (internally defined REVEL score threshold <= 0.5, PMID: 27666373). To our knowledge, functional studies have not been reported for this variant. This variant has been reported in an individual affected with colorectal cancer (PMID: 28135145). This variant has not been identified in the general population by the Genome Aggregation Database (gnomAD). The available evidence is insufficient to determine the role of this variant in disease conclusively. Therefore, this variant is classified as a Variant of Uncertain Significance.

GeneDx
Classification: Uncertain significance. Last evaluated: 2016-12-15. Review status: criteria provided, single submitter. Criteria: GeneDx Variant Classification (06012015). Collection method: clinical testing. Allele origin: germline. Affected: yes.
Comment: This variant is denoted ATM c.7818A>G at the cDNA level, p.Ile2606Met (I2606M) at the protein level, and results in the change of an Isoleucine to a Methionine (ATA>ATG). This variant has not, to our knowledge, been published in the literature as either a pathogenic germline variant or a benign polymorphism. However, it has been reported as a somatic variant in chronic lymphocytic leukemia (Rose-Zerilli 2016). ATM Ile2606Met was not observed in approximately 6,500 individuals of European and African American ancestry in the NHLBI Exome Sequencing Project, suggesting it is not a common benign variant in these populations. Since Isoleucine and Methionine share similar properties, this is considered a conservative amino acid substitution. ATM Ile2606Met occurs at a position where amino acids with properties similar to Isoleucine are tolerated across species and is not located in a known functional domain (Tavtigian 2009, Stracker 2013). In silico analyses are inconsistent regarding the effect this variant may have on protein structure and function. Based on currently available evidence, it is unclear whether ATM Ile2606Met is a pathogenic or benign variant. We consider it to be a variant of uncertain significance.

Natera, Inc.
Classification: Uncertain significance for Ataxia-telangiectasia. Last evaluated: 2021-09-24. Review status: no assertion criteria provided. Collection method: clinical testing. Allele origin: germline. Not counted in ClinVar's aggregate classification.

Literature cited by the submitters: PubMed 28135145 (cited by Labcorp Genetics (formerly Invitae), Labcorp and Color Diagnostics, LLC DBA Color Health); PubMed 29522266 (cited by Ambry Genetics); PubMed 30441849 (cited by Ambry Genetics).

NM_000051.4(ATM):c.7818A>G (p.Ile2606Met)

Genes: ATM (ATM serine/threonine kinase; plus strand), C11orf65 (chromosome 11 open reading frame 65; minus strand). Cytogenetic location: 11q22.3.
Variant type: single nucleotide variant.
Coding change: c.7818A>G on transcript NM_000051.4 (MANE Select); coding-DNA position 7818, A replaced by G.
Protein change: p.Ile2606Met; replaces isoleucine 2606 with methionine.
Molecular consequence: missense variant. On other transcripts: intron variant (2).
Genome position (GRCh38, 1-based): chr11:108,332,791, A>G. VCF-style: chr11-108332791-A-G. GRCh37 (hg19) VCF-style: chr11-108203518-A-G.
Other names: c.7818A>G, p.Ile2606Met (NM_001351834.2); c.641-23720T>C (NM_001330368.2); c.*38+2429T>C (NM_001351110.2); short protein forms I2606M.
Identifiers: ClinVar variation 407490 (VCV000407490.31), dbSNP rs1027959208, ClinGen allele CA16613132.